The following is an entry in ClinVar:

NM_015331.3(NCSTN):c.54T>C (p.Leu18=)

Gene: NCSTN (nicastrin; plus strand). Cytogenetic location: 1q23.2.
Variant type: single nucleotide variant.
Coding change: c.54T>C on transcript NM_015331.3 (MANE Select); coding-DNA position 54, T replaced by C.
Protein change: p.Leu18=; no amino-acid change (leucine 18 retained).
Molecular consequence: synonymous variant. On other transcripts: 5 prime UTR variant (1).
Genome position (GRCh38, 1-based): chr1:160,343,450, T>C. VCF-style: chr1-160343450-T-C. GRCh37 (hg19) VCF-style: chr1-160313240-T-C.
Other names: c.-146T>C (NM_001290184.2); c.54T>C, p.Leu18= (NM_001290186.2, NM_001349729.2); c.54T>C (NM_015331.2).
Identifiers: ClinVar variation 1549200 (VCV001549200.10), dbSNP rs141165822, ClinGen allele CA1198550.

ClinVar aggregate classification (germline): Benign. Review status: criteria provided, single submitter (1 of 4 stars). 2 submissions from 2 submitters: Benign (1). 1 of the submissions does not count toward it. Last evaluated 2026-01-14.

Conditions:
NCSTN-related disorder. Also called: NCSTN-related condition.

Allele frequency attached by ClinVar (database versions not stated): gnomAD exomes 0.00011; 1000 Genomes Project 30x 0.00016; 1000 Genomes Project 0.00020; ExAC 0.00020; ESP Exome Variant Server 0.00031; gnomAD 0.00038 and 0.00044; TOPMed 0.00050.
gnomAD v4.1: 93 of 1,611,588 alleles (0.0058%); highest among the groups gnomAD compares: African/African-American, 0.12%; no homozygotes.

Submissions (2):

Labcorp Genetics (formerly Invitae), Labcorp
Classification: Benign. Last evaluated: 2026-01-14. Review status: criteria provided, single submitter. Criteria: Invitae Variant Classification Sherloc (09022015). Collection method: clinical testing. Allele origin: germline.

PreventionGenetics, part of Exact Sciences
Classification: Likely benign for NCSTN-related condition. Last evaluated: 2019-04-01. Review status: no assertion criteria provided. Collection method: clinical testing. Allele origin: germline. Not counted in ClinVar's aggregate classification.
Comment: This variant is classified as likely benign based on ACMG/AMP sequence variant interpretation guidelines (Richards et al. 2015 PMID: 25741868, with internal and published modifications).